The following is an entry in ClinVar:

NM_001887.4(CRYBB1):c.294G>A (p.Ala98=)

Genes: CRYBA4 (crystallin beta A4; plus strand), CRYBB1 (crystallin beta B1; minus strand). Cytogenetic location: 22q12.1.
Variant type: single nucleotide variant.
Coding change: c.294G>A on transcript NM_001887.4 (MANE Select); coding-DNA position 294, G replaced by A.
Protein change: p.Ala98=; no amino-acid change (alanine 98 retained).
Molecular consequence: synonymous variant.
Genome position (GRCh38, 1-based): chr22:26,612,077, C>T on the plus strand (G>A on the coding strand, the complement: CRYBB1 is on the minus strand). VCF-style: chr22-26612077-C-T. GRCh37 (hg19) VCF-style: chr22-27008041-C-T.
Other names: NC_000022.10:g.27008041C>T.
Identifiers: ClinVar variation 901777 (VCV000901777.7), dbSNP rs760235124, ClinGen allele CA10165522.

ClinVar aggregate classification (germline): Uncertain significance. Review status: criteria provided, single submitter (1 of 4 stars). 2 submissions from 2 submitters: Uncertain significance (1). 1 of the submissions does not count toward it. Last evaluated 2018-01-13.

Conditions:
CRYBB1-related disorder. Also called: CRYBB1-related condition.
Cataract 17 multiple types. Also called: CATARACT 17, PULVERULENT; CATARACT 17, CONGENITAL NUCLEAR, AUTOSOMAL RECESSIVE. Identifiers: Orphanet 91492, MedGen C3888124, MONDO:0012688, OMIM 611544.

Allele frequency attached by ClinVar (database versions not stated): TOPMed 0.00002; ExAC 0.00008; gnomAD 0.00001; gnomAD exomes 0.00004 and 0.00008.
gnomAD v4.1: 60 of 1,611,372 alleles (0.0037%); highest among the groups gnomAD compares: East Asian, 0.087%; 1 homozygote.

Submissions (3):

Illumina Laboratory Services, Illumina
Classification: Uncertain significance for Cataract 17 multiple types. Last evaluated: 2018-01-13. Review status: criteria provided, single submitter. Criteria: ICSL Variant Classification Criteria 13 December 2019. Collection method: clinical testing. Allele origin: germline.

PreventionGenetics, part of Exact Sciences
Classification: Likely benign for CRYBB1-related condition. Last evaluated: 2024-01-11. Review status: no assertion criteria provided. Collection method: clinical testing. Allele origin: germline. Not counted in ClinVar's aggregate classification.
Comment: This variant is classified as likely benign based on ACMG/AMP sequence variant interpretation guidelines (Richards et al. 2015 PMID: 25741868, with internal and published modifications).

Dr. Peter K. Rogan Lab, Western University
No classification provided (evidence only). Condition: Hepatocellular carcinoma. Review status: no classification provided. Collection method: in vitro. Allele origin: not applicable. Functional consequence: retained intron. Not counted in ClinVar's aggregate classification.